The following is an entry in ClinVar:

ClinVar aggregate classification (germline): Likely benign (0 of 4 stars; one submission).

Conditions:
HERC2-related disorder. Also called: HERC2-related condition.

Allele frequency attached by ClinVar (database versions not stated): gnomAD exomes 0.00004; ExAC 0.00016; TOPMed 0.00040; gnomAD 0.00042; 1000 Genomes Project 0.00060; 1000 Genomes Project 30x 0.00062; ESP Exome Variant Server 0.00069.
gnomAD v4.1: 120 of 1,611,752 alleles (0.0074%); highest among the groups gnomAD compares: African/African-American, 0.15%; 1 homozygote.

Submission:

PreventionGenetics, part of Exact Sciences
Classification: Likely benign for HERC2-related condition. Last evaluated: 2019-02-18. Review status: no assertion criteria provided. Collection method: clinical testing. Allele origin: germline.
Comment: This variant is classified as likely benign based on ACMG/AMP sequence variant interpretation guidelines (Richards et al. 2015 PMID: 25741868, with internal and published modifications).

NM_004667.6(HERC2):c.10068A>G (p.Ser3356=)

Gene: HERC2 (HECT and RLD domain containing E3 ubiquitin protein ligase 2; minus strand). Cytogenetic location: 15q13.1.
Variant type: single nucleotide variant.
Coding change: c.10068A>G on transcript NM_004667.6 (MANE Select); coding-DNA position 10068, A replaced by G.
Protein change: p.Ser3356=; no amino-acid change (serine 3356 retained).
Molecular consequence: synonymous variant.
Genome position (GRCh38, 1-based): chr15:28,169,645, T>C on the plus strand (A>G on the coding strand, the complement: HERC2 is on the minus strand). VCF-style: chr15-28169645-T-C. GRCh37 (hg19) VCF-style: chr15-28414791-T-C.
Identifiers: ClinVar variation 3058222 (VCV003058222.2), dbSNP rs145190727, ClinGen allele CA7440959.